The following is an entry in ClinVar:

ClinVar aggregate classification (germline): Benign/Likely benign. Review status: criteria provided, multiple submitters, no conflicts (2 of 4 stars). 4 submissions from 4 submitters: Benign (1); Likely benign (3). Last evaluated 2025-06-03.

Allele frequency attached by ClinVar (database versions not stated): TOPMed 0.00013; ESP Exome Variant Server 0.00015; 1000 Genomes Project 30x 0.00016; gnomAD 0.00050.
gnomAD v4.1: 347 of 1,613,178 alleles (0.022%); highest among the groups gnomAD compares: Non-Finnish European, 0.014%; no homozygotes.

Submissions (4):

Mayo Clinic Laboratories, Mayo Clinic
Classification: Likely benign. Last evaluated: 2025-06-03. Review status: criteria provided, single submitter. Criteria: ACMG Guidelines, 2015. Collection method: clinical testing. Allele origin: germline. Observed: 2 variant alleles.
Comment: BP4, BP7

Blueprint Genetics
Classification: Likely benign. Last evaluated: 2024-01-11. Review status: criteria provided, single submitter. Criteria: ACMG Guidelines, 2015. Collection method: clinical testing. Allele origin: germline.

CeGaT Center for Human Genetics Tuebingen
Classification: Likely benign. Last evaluated: 2023-02-01. Review status: criteria provided, single submitter. Criteria: CeGaT Center For Human Genetics Tuebingen Variant Classification Criteria Version 2. Collection method: clinical testing. Allele origin: germline. Affected: yes. Observed: 1 variant allele.
Comment: CTDP1: BP4, BP7

Labcorp Genetics (formerly Invitae), Labcorp
Classification: Benign. Last evaluated: 2018-06-08. Review status: criteria provided, single submitter. Criteria: Invitae Variant Classification Sherloc (09022015). Collection method: clinical testing. Allele origin: germline.

NM_004715.5(CTDP1):c.1056C>G (p.Val352=)

Gene: CTDP1 (CTD phosphatase 1; plus strand). Cytogenetic location: 18q23.
Variant type: single nucleotide variant.
Coding change: c.1056C>G on transcript NM_004715.5 (MANE Select); coding-DNA position 1056, C replaced by G.
Protein change: p.Val352=; no amino-acid change (valine 352 retained).
Molecular consequence: synonymous variant.
Genome position (GRCh38, 1-based): chr18:79,714,516, C>G. VCF-style: chr18-79714516-C-G. GRCh37 (hg19) VCF-style: chr18-77474516-C-G.
Other names: p.Val352=; c.699C>G, p.Val233= (NM_001202504.1); c.1056C>G, p.Val352= (NM_001318511.2, NM_048368.4).
Identifiers: ClinVar variation 749617 (VCV000749617.29), dbSNP rs147146455, ClinGen allele CA9010194.